The following is an entry in ClinVar:

NM_006950.3(SYN1):c.1846C>T (p.Pro616Ser)

Gene: SYN1 (synapsin I; minus strand). Cytogenetic location: Xp11.3.
Variant type: single nucleotide variant.
Coding change: c.1846C>T on transcript NM_006950.3 (MANE Select); coding-DNA position 1846, C replaced by T.
Protein change: p.Pro616Ser; replaces proline 616 with serine.
Molecular consequence: missense variant.
Genome position (GRCh38, 1-based): chrX:47,574,138, G>A on the plus strand (C>T on the coding strand, the complement: SYN1 is on the minus strand). VCF-style: chrX-47574138-G-A. GRCh37 (hg19) VCF-style: chrX-47433537-G-A.
Other names: c.1846C>T, p.Pro616Ser (NM_133499.2); short protein forms P616S.
Identifiers: ClinVar variation 4527235 (VCV004527235.1).

ClinVar aggregate classification (germline): Uncertain significance (1 of 4 stars; one submission).

gnomAD v4.1: 9 of 1,084,617 alleles (0.00083%); highest among the groups gnomAD compares: Non-Finnish European, 0.0011%; no homozygotes.

Submission:

GeneDx
Classification: Uncertain significance. Last evaluated: 2025-04-16. Review status: criteria provided, single submitter. Criteria: GeneDx Variant Classification Process June 2021. Collection method: clinical testing. Allele origin: germline. Affected: yes.
Comment: Not observed at significant frequency in large population cohorts (gnomAD); In silico analysis indicates that this missense variant does not alter protein structure/function; Has not been previously published as pathogenic or benign to our knowledge